The following is an entry in ClinVar:

NM_005689.4(ABCB6):c.2512C>T (p.Gln838Ter)

Gene: ABCB6 (ATP binding cassette subfamily B member 6 (LAN blood group); minus strand). Cytogenetic location: 2q35.
Variant type: single nucleotide variant.
Coding change: c.2512C>T on transcript NM_005689.4 (MANE Select); coding-DNA position 2512, C replaced by T.
Protein change: p.Gln838Ter; replaces glutamine 838 with a stop codon.
Molecular consequence: nonsense.
Genome position (GRCh38, 1-based): chr2:219,209,955, G>A on the plus strand (C>T on the coding strand, the complement: ABCB6 is on the minus strand). VCF-style: chr2-219209955-G-A. GRCh37 (hg19) VCF-style: chr2-220074677-G-A.
Other names: p.Gln838*; c.2374C>T, p.Gln792Ter (NM_001349828.2); short protein forms Q792*, Q838*.
Identifiers: ClinVar variation 3379419 (VCV003379419.1).
Genomic context (GRCh38, chr2:219,209,955, plus strand): 5'-CCCTTCTGGGTTAGTCTTTGAGAGGGAAGTGGCCAAACTTTTGTCACCGTTCCATGGTCT[G>A]AGGCTTAGTGTCTTCAGAGGTTTCTTCCTGTCCCTGCTGCAGCTGCCACATGTCAGCATA-3'

ClinVar aggregate classification (germline): Uncertain significance (1 of 4 stars; one submission).

gnomAD v4.1: 77 of 1,614,178 alleles (0.0048%); highest among the groups gnomAD compares: African/African-American, 0.099%; no homozygotes.

Submission:

Mayo Clinic Laboratories, Mayo Clinic
Classification: Uncertain significance. Last evaluated: 2024-05-20. Review status: criteria provided, single submitter. Criteria: ACMG Guidelines, 2015. Collection method: clinical testing. Allele origin: germline. Observed: 1 variant allele.
Comment: PM2_moderate, PVS1_moderate

Literature cited by the submitters: PubMed 26046366.